The following is an entry in ClinVar:

ClinVar aggregate classification (germline): Uncertain significance (1 of 4 stars; one submission).

gnomAD v4.1: 3 of 1,614,198 alleles (0.00019%); highest among the groups gnomAD compares: Non-Finnish European, 0.00025%; no homozygotes.

Submission:

Labcorp Genetics (formerly Invitae), Labcorp
Classification: Uncertain significance. Last evaluated: 2024-12-15. Review status: criteria provided, single submitter. Criteria: Invitae Variant Classification Sherloc (09022015). Collection method: clinical testing. Allele origin: germline.
Comment: This sequence change replaces histidine, which is basic and polar, with arginine, which is basic and polar, at codon 374 of the ELP1 protein (p.His374Arg). This variant is present in population databases (rs745895326, gnomAD 0.002%). This variant has not been reported in the literature in individuals affected with ELP1-related conditions. Invitae Evidence Modeling of protein sequence and biophysical properties (such as structural, functional, and spatial information, amino acid conservation, physicochemical variation, residue mobility, and thermodynamic stability) indicates that this missense variant is not expected to disrupt ELP1 protein function with a negative predictive value of 80%. In summary, the available evidence is currently insufficient to determine the role of this variant in disease. Therefore, it has been classified as a Variant of Uncertain Significance.

NM_003640.5(ELP1):c.1121A>G (p.His374Arg)

Gene: ELP1 (elongator acetyltransferase complex subunit 1; minus strand). Cytogenetic location: 9q31.3.
Variant type: single nucleotide variant.
Coding change: c.1121A>G on transcript NM_003640.5 (MANE Select); coding-DNA position 1121, A replaced by G.
Protein change: p.His374Arg; replaces histidine 374 with arginine.
Molecular consequence: missense variant.
Genome position (GRCh38, 1-based): chr9:108,912,332, T>C on the plus strand (A>G on the coding strand, the complement: ELP1 is on the minus strand). VCF-style: chr9-108912332-T-C. GRCh37 (hg19) VCF-style: chr9-111674612-T-C.
Other names: c.779A>G, p.His260Arg (NM_001318360.2); c.74A>G, p.His25Arg (NM_001330749.2); short protein forms H260R, H25R, H374R.
Identifiers: ClinVar variation 3631800 (VCV003631800.2).